The following is an entry in ClinVar:

NM_019023.5(PRMT7):c.1246G>A (p.Val416Met)

Gene: PRMT7 (protein arginine methyltransferase 7; plus strand). Cytogenetic location: 16q22.1.
Variant type: single nucleotide variant.
Coding change: c.1246G>A on transcript NM_019023.5 (MANE Select); coding-DNA position 1246, G replaced by A.
Protein change: p.Val416Met; replaces valine 416 with methionine.
Molecular consequence: missense variant. On other transcripts: non-coding transcript variant (12).
Genome position (GRCh38, 1-based): chr16:68,347,265, G>A. VCF-style: chr16-68347265-G-A. GRCh37 (hg19) VCF-style: chr16-68381168-G-A.
Other names: c.1096G>A, p.Val366Met (NM_001184824.4); c.1246G>A, p.Val416Met (NM_001290018.2, NM_001351143.3, NM_001351144.3 and 1 more transcripts); c.1039G>A, p.Val347Met (NM_001378020.1); c.1009G>A, p.Val337Met (NM_001378021.1, NM_001378022.1, NM_001378023.1); short protein forms V337M, V347M, V366M, V416M.
Identifiers: ClinVar variation 5038678 (VCV005038678.1).

ClinVar aggregate classification (germline): Likely benign (1 of 4 stars; one submission).

gnomAD v4.1: 168 of 1,551,818 alleles (0.011%); highest among the groups gnomAD compares: Middle Eastern, 0.32%; no homozygotes.

Submission:

CeGaT Center for Human Genetics Tuebingen
Classification: Likely benign. Last evaluated: 2026-07-01. Review status: criteria provided, single submitter. Criteria: CeGaT Center For Human Genetics Tuebingen Variant Classification Criteria Version 2. Collection method: clinical testing. Allele origin: germline. Affected: yes. Observed: 1 variant allele.
Comment: PRMT7: BP4